The following is an entry in ClinVar:

ClinVar aggregate classification (germline): Uncertain significance. Review status: criteria provided, multiple submitters, no conflicts (2 of 4 stars). 3 submissions from 3 submitters: Uncertain significance (3). Last evaluated 2024-11-01.

Conditions:
Dilated cardiomyopathy 1G (CMD1G). Identifiers: Orphanet 154, MedGen C1858763, MONDO:0011400, OMIM 604145.
Autosomal recessive limb-girdle muscular dystrophy type 2J (LGMDR10). Also called: MUSCULAR DYSTROPHY, LIMB-GIRDLE, AUTOSOMAL RECESSIVE 10; Limb-girdle muscular dystrophy, type 2J. Identifiers: Orphanet 140922, MedGen C1837342, MONDO:0012127, OMIM 608807.

Allele frequency attached by ClinVar (database versions not stated): gnomAD exomes below 0.00001; ExAC 0.00001; gnomAD 0.00001; TOPMed 0.00001; ESP Exome Variant Server 0.00008.
gnomAD v4.1: 20 of 1,613,738 alleles (0.0012%); highest among the groups gnomAD compares: Admixed American, 0.0033%; no homozygotes.

Submissions (3):

Revvity Omics, Revvity
Classification: Uncertain significance. Last evaluated: 2024-11-01. Review status: criteria provided, single submitter. Criteria: ACMG Guidelines, 2015. Collection method: clinical testing. Allele origin: germline.

Labcorp Genetics (formerly Invitae), Labcorp
Classification: Uncertain significance for Dilated cardiomyopathy 1G; Autosomal recessive limb-girdle muscular dystrophy type 2J. Last evaluated: 2017-11-14. Review status: criteria provided, single submitter. Criteria: Invitae Variant Classification Sherloc (09022015). Collection method: clinical testing. Allele origin: germline.

GeneDx
Classification: Uncertain significance. Last evaluated: 2013-01-07. Review status: criteria provided, single submitter. Criteria: GeneDx Variant Classification (06012015). Collection method: clinical testing. Allele origin: germline. Affected: yes.
Comment: Missense variants in the TTN gene are considered 'unclassified' if they are not previously reported in the literature and do not have >1% frequency in the population to be considered a polymorphism. Research indicates that truncating mutations in the TTN gene are expected to account for approximately 25% of familial and 18% of sporadic idiopathic DCM; however, truncating variants in the TTN gene have been reported in approximately 3% of reported control alleles. There has been little investigation into non-truncating variants. (Herman D et al. Truncations of titin causing dilated cardiomyopathy. N Eng J Med 366:619-628, 2012) The variant is found in DCM panel(s).

NM_001267550.2(TTN):c.105821C>T (p.Thr35274Ile)

Genes: TTN-AS1 (TTN antisense RNA 1; plus strand), TTN (titin; minus strand), LOC129935183 (ATAC-STARR-seq lymphoblastoid active region 16808; plus strand). Cytogenetic location: 2q31.2.
Variant type: single nucleotide variant.
Coding change: c.105821C>T on transcript NM_001267550.2 (MANE Select); coding-DNA position 105821, C replaced by T.
Protein change: p.Thr35274Ile; replaces threonine 35274 with isoleucine.
Molecular consequence: missense variant.
Genome position (GRCh38, 1-based): chr2:178,530,794, G>A on the plus strand (C>T on the coding strand, the complement: TTN is on the minus strand). VCF-style: chr2-178530794-G-A. GRCh37 (hg19) VCF-style: chr2-179395521-G-A.
Other names: p.T33633I:ACA>ATA; c.100898C>T, p.Thr33633Ile (NM_001256850.1); c.78626C>T, p.Thr26209Ile (NM_003319.4); c.98117C>T, p.Thr32706Ile (NM_133378.4); c.79001C>T, p.Thr26334Ile (NM_133432.3); c.79202C>T, p.Thr26401Ile (NM_133437.4); short protein forms T33633I, T35274I, T26401I, T32706I, T26209I, T26334I.
Identifiers: ClinVar variation 203101 (VCV000203101.5), dbSNP rs2857271, ClinGen allele CA311241.